The following is an entry in ClinVar:

ClinVar aggregate classification (germline): Uncertain significance (1 of 4 stars; one submission).

Allele frequency attached by ClinVar (database versions not stated): gnomAD 0.00001; TOPMed 0.00001; ExAC 0.00002.
gnomAD v4.1: 12 of 1,607,652 alleles (0.00075%); highest among the groups gnomAD compares: East Asian, 0.0045%; no homozygotes.

Submission:

Labcorp Genetics (formerly Invitae), Labcorp
Classification: Uncertain significance. Last evaluated: 2023-01-10. Review status: criteria provided, single submitter. Criteria: Invitae Variant Classification Sherloc (09022015). Collection method: clinical testing. Allele origin: germline.
Comment: This sequence change replaces glycine, which is neutral and non-polar, with serine, which is neutral and polar, at codon 221 of the KCNK4 protein (p.Gly221Ser). This variant also falls at the last nucleotide of exon 5, which is part of the consensus splice site for this exon. This variant is present in population databases (rs779013806, gnomAD 0.01%). In summary, the available evidence is currently insufficient to determine the role of this variant in disease. Therefore, it has been classified as a Variant of Uncertain Significance. Variants that disrupt the consensus splice site are a relatively common cause of aberrant splicing (PMID: 17576681, 9536098). Algorithms developed to predict the effect of sequence changes on RNA splicing suggest that this variant may disrupt the consensus splice site. Algorithms developed to predict the effect of missense changes on protein structure and function are either unavailable or do not agree on the potential impact of this missense change (SIFT: "Not Available"; PolyPhen-2: "Probably Damaging"; Align-GVGD: "Not Available"). This variant has not been reported in the literature in individuals affected with KCNK4-related conditions.

Literature cited by the submitters: PubMed 17576681; PubMed 9536098.

NM_033310.3(KCNK4):c.661G>A (p.Gly221Ser)

Genes: KCNK4 (potassium two pore domain channel subfamily K member 4; plus strand), KCNK4-CATSPERZ (KCNK4-CATSPERZ readthrough (NMD candidate); plus strand). Cytogenetic location: 11q13.1.
Variant type: single nucleotide variant.
Coding change: c.661G>A on transcript NM_033310.3 (MANE Select); coding-DNA position 661, G replaced by A.
Protein change: p.Gly221Ser; replaces glycine 221 with serine.
Molecular consequence: missense variant. On other transcripts: non-coding transcript variant (3).
Genome position (GRCh38, 1-based): chr11:64,297,653, G>A. VCF-style: chr11-64297653-G-A. GRCh37 (hg19) VCF-style: chr11-64065125-G-A.
Other names: c.661G>A, p.Gly221Ser (NM_001317090.2, NM_033311.1); short protein forms G221S.
Identifiers: ClinVar variation 2879768 (VCV002879768.3), dbSNP rs779013806, ClinGen allele CA6073122.